The following is an entry in ClinVar:

ClinVar aggregate classification (germline): Uncertain significance (1 of 4 stars; one submission).

Conditions:
Rhabdoid tumor predisposition syndrome 2 (RTPS2). Identifiers: Orphanet 231108, Orphanet 69077, MedGen C2750074, MONDO:0013224, OMIM 613325.

Submission:

Labcorp Genetics (formerly Invitae), Labcorp
Classification: Uncertain significance for Rhabdoid tumor predisposition syndrome 2. Last evaluated: 2021-04-14. Review status: criteria provided, single submitter. Criteria: Invitae Variant Classification Sherloc (09022015). Collection method: clinical testing. Allele origin: germline.
Comment: In summary, the available evidence is currently insufficient to determine the role of this variant in disease. Therefore, it has been classified as a Variant of Uncertain Significance. Experimental studies and prediction algorithms are not available or were not evaluated, and the functional significance of this variant is currently unknown. This variant has not been reported in the literature in individuals with SMARCA4-related conditions. This variant results in a copy number gain of the genomic region encompassing exon(s) 15-36 of the SMARCA4 gene. The 5' boundary is likely confined to intron 14. The 3' end of this event is unknown as it extends beyond the assayed region for this gene and therefore may encompass additional genes. As the precise location of this event is unknown, it may be in tandem or it may be located elsewhere in the genome.

NC_000019.9:g.(?_11121047)_(11172492_?)dup

Gene: SMARCA4 (SWI/SNF related BAF chromatin remodeling complex subunit ATPase 4; plus strand). Cytogenetic location: 19p13.2.
Variant type: Duplication.
Identifiers: ClinVar variation 1410199 (VCV001410199.4).